The following is an entry in ClinVar:

ClinVar aggregate classification (germline): Uncertain significance. Review status: criteria provided, multiple submitters, no conflicts (2 of 4 stars). 5 submissions from 5 submitters: Uncertain significance (5). Last evaluated 2025-08-10.

Conditions:
Hereditary cancer-predisposing syndrome. Also called: Hereditary Cancer Syndrome; Tumor predisposition; Hereditary neoplastic syndrome; Neoplastic Syndromes, Hereditary. Identifiers: Orphanet 140162, MedGen C0027672, MeSH D009386, MONDO:0015356.
Endometrial carcinoma. Also called: Endometrial carcinoma, somatic. Identifiers: MedGen C0476089, MONDO:0002447, OMIM 608089, HP:0012114.

Allele frequency attached by ClinVar (database versions not stated): gnomAD exomes 0.00001 and 0.00003; TOPMed 0.00002; gnomAD 0.00003 and 0.00004.
gnomAD v4.1: 45 of 1,613,870 alleles (0.0028%); highest among the groups gnomAD compares: Non-Finnish European, 0.0036%; no homozygotes.

Submissions (5):

Labcorp Genetics (formerly Invitae), Labcorp
Classification: Uncertain significance. Last evaluated: 2025-08-10. Review status: criteria provided, single submitter. Criteria: Invitae Variant Classification Sherloc (09022015). Collection method: clinical testing. Allele origin: germline.
Comment: This sequence change replaces glutamic acid, which is acidic and polar, with valine, which is neutral and non-polar, at codon 1092 of the MSH3 protein (p.Glu1092Val). This variant is present in population databases (no rsID available, gnomAD 0.002%). This variant has not been reported in the literature in individuals affected with MSH3-related conditions. ClinVar contains an entry for this variant (Variation ID: 646445). An algorithm developed to predict the effect of missense changes on protein structure and function (PolyPhen-2) suggests that this variant is likely to be disruptive. In summary, the available evidence is currently insufficient to determine the role of this variant in disease. Therefore, it has been classified as a Variant of Uncertain Significance.

Ambry Genetics
Classification: Uncertain significance for Hereditary cancer-predisposing syndrome. Last evaluated: 2025-06-11. Review status: criteria provided, single submitter. Criteria: Ambry Variant Classification Scheme 2023. Collection method: clinical testing. Allele origin: germline.
Comment: The p.E1092V variant (also known as c.3275A>T), located in coding exon 23 of the MSH3 gene, results from an A to T substitution at nucleotide position 3275. The glutamic acid at codon 1092 is replaced by valine, an amino acid with dissimilar properties. This amino acid position is well conserved in available vertebrate species. In addition, the in silico prediction for this alteration is inconclusive. Based on the available evidence, the clinical significance of this variant remains unclear.

Quest Diagnostics Nichols Institute San Juan Capistrano
Classification: Uncertain significance. Last evaluated: 2025-05-31. Review status: criteria provided, single submitter. Criteria: Quest Diagnostics criteria. Collection method: clinical testing. Allele origin: unknown.
Comment: The MSH3 c.3275A>T (p.Glu1092Val) variant has been reported in the published literature in an individual with a myeloid malignancy (PMID: 31911633 (2020)). The frequency of this variant in the general population (Genome Aggregation Database) is uninformative in the assessment of its pathogenicity. Analysis of this variant using bioinformatics tools for the prediction of the effect of amino acid changes on protein structure and function yielded conflicting predictions that this variant is benign or damaging. Based on the available information, we are unable to determine the clinical significance of this variant.

Baylor Genetics
Classification: Uncertain significance for Endometrial carcinoma. Last evaluated: 2024-02-06. Review status: criteria provided, single submitter. Criteria: ACMG Guidelines, 2015. Collection method: clinical testing. Allele origin: unknown.

Sema4
Classification: Uncertain significance for Hereditary cancer-predisposing syndrome. Last evaluated: 2021-12-10. Review status: criteria provided, single submitter. Criteria: Sema4 Curation Guidelines. Collection method: curation. Allele origin: germline.
Comment: The MSH3 c.3275A>T (p.E1092V) variant has not been reported in the literature to our knowledge. It was observed in 1/16252 chromosomes of the African/African American subpopulation in the large and broad cohorts of the Genome Aggregation Database (PMID: 32461654). The variant has been reported in ClinVar (Variation ID 646445). Functional studies have not been performed, and in silico predictions of the variant's effect on protein function are inconclusive. The evidence is insufficient to meet ACMG/AMP criteria for classifying the variant as benign or pathogenic. Thus, the clinical significance of this variant is currently uncertain.

Literature cited by the submitters: PubMed 31911633 (cited by Ambry Genetics and Quest Diagnostics Nichols Institute San Juan Capistrano).

NM_002439.5(MSH3):c.3275A>T (p.Glu1092Val)

Gene: MSH3 (mutS homolog 3; plus strand). Cytogenetic location: 5q14.1.
Variant type: single nucleotide variant.
Coding change: c.3275A>T on transcript NM_002439.5 (MANE Select); coding-DNA position 3275, A replaced by T.
Protein change: p.Glu1092Val; replaces glutamic acid 1092 with valine.
Molecular consequence: missense variant.
Genome position (GRCh38, 1-based): chr5:80,873,260, A>T. VCF-style: chr5-80873260-A-T. GRCh37 (hg19) VCF-style: chr5-80169079-A-T.
Other names: short protein forms E1092V.
Identifiers: ClinVar variation 646445 (VCV000646445.16), dbSNP rs960855722, ClinGen allele CA121753100.